The following is an entry in ClinVar:

ClinVar aggregate classification (germline): Benign/Likely benign. Review status: criteria provided, multiple submitters, no conflicts (2 of 4 stars). 8 submissions from 8 submitters: Benign (4); Likely benign (4). Last evaluated 2026-08-01.

Conditions:
Intellectual disability, autosomal dominant 16 (CSS4). Also called: COFFIN-SIRIS SYNDROME 4. Identifiers: Orphanet 1465, MedGen C3553249, MONDO:0013821, OMIM 614609.
Rhabdoid tumor predisposition syndrome 2 (RTPS2). Identifiers: Orphanet 231108, Orphanet 69077, MedGen C2750074, MONDO:0013224, OMIM 613325.
Hereditary cancer-predisposing syndrome. Also called: Hereditary Cancer Syndrome; Hereditary neoplastic syndrome; Neoplastic Syndromes, Hereditary; Tumor predisposition. Identifiers: Orphanet 140162, MedGen C0027672, MeSH D009386, MONDO:0015356.

Allele frequency attached by ClinVar (database versions not stated): gnomAD below 0.00001 and 0.00005; TOPMed 0.00002; 1000 Genomes Project 0.00040; ExAC 0.00027; 1000 Genomes Project 30x 0.00031.
gnomAD v4.1: 202 of 1,613,844 alleles (0.013%); highest among the groups gnomAD compares: South Asian, 0.13%; 3 homozygotes.

Submissions (8):

CeGaT Center for Human Genetics Tuebingen
Classification: Likely benign. Last evaluated: 2026-08-01. Review status: criteria provided, single submitter. Criteria: CeGaT Center For Human Genetics Tuebingen Variant Classification Criteria Version 2. Collection method: clinical testing. Allele origin: germline. Affected: yes. Observed: 17 variant alleles.
Comment: SMARCA4: BP4, BP7, BS1

Myriad Genetics, Inc.
Classification: Benign for Rhabdoid tumor predisposition syndrome 2. Last evaluated: 2026-07-14. Review status: criteria provided, single submitter. Criteria: Myriad Autosomal Dominant, Autosomal Recessive and X-Linked Classification Criteria (2023). Collection method: clinical testing. Allele origin: unknown.
Comment: This variant is considered benign. This variant is a silent/synonymous amino acid change and it is not expected to impact splicing.

Labcorp Genetics (formerly Invitae), Labcorp
Classification: Benign for Rhabdoid tumor predisposition syndrome 2. Last evaluated: 2026-01-24. Review status: criteria provided, single submitter. Criteria: Invitae Variant Classification Sherloc (09022015). Collection method: clinical testing. Allele origin: germline.

Blueprint Genetics
Classification: Likely benign. Last evaluated: 2024-11-26. Review status: criteria provided, single submitter. Criteria: ACMG Guidelines, 2015. Collection method: clinical testing. Allele origin: germline.

Genome-Nilou Lab
Classification: Benign for Intellectual disability, autosomal dominant 16. Last evaluated: 2021-07-15. Review status: criteria provided, single submitter. Criteria: ACMG Guidelines, 2015. Collection method: clinical testing. Allele origin: germline. Affected: no.

GeneDx
Classification: Likely benign. Last evaluated: 2021-06-16. Review status: criteria provided, single submitter. Criteria: GeneDx Variant Classification Process June 2021. Collection method: clinical testing. Allele origin: germline. Affected: yes.

Sema4
Classification: Benign for Hereditary cancer-predisposing syndrome. Last evaluated: 2021-02-04. Review status: criteria provided, single submitter. Criteria: Sema4 Curation Guidelines. Collection method: curation. Allele origin: germline.

Ambry Genetics
Classification: Likely benign for Hereditary cancer-predisposing syndrome. Last evaluated: 2016-01-15. Review status: criteria provided, single submitter. Criteria: Ambry Variant Classification Scheme 2023. Collection method: clinical testing. Allele origin: germline.

NM_003072.5(SMARCA4):c.2763C>T (p.Leu921=)

Gene: SMARCA4 (SWI/SNF related BAF chromatin remodeling complex subunit ATPase 4; plus strand). Cytogenetic location: 19p13.2.
Variant type: single nucleotide variant.
Coding change: c.2763C>T on transcript NM_003072.5 (MANE Select); coding-DNA position 2763, C replaced by T.
Protein change: p.Leu921=; no amino-acid change (leucine 921 retained).
Molecular consequence: synonymous variant. On other transcripts: non-coding transcript variant (1).
Genome position (GRCh38, 1-based): chr19:11,021,871, C>T. VCF-style: chr19-11021871-C-T. GRCh37 (hg19) VCF-style: chr19-11132547-C-T.
Other names: c.2763C>T, p.Leu921= (NM_001128844.3, NM_001128845.2, NM_001128846.2 and 5 more transcripts).
Identifiers: ClinVar variation 415076 (VCV000415076.55), dbSNP rs574844383, ClinGen allele CA9204222.
Genomic context (GRCh38, chr19:11,021,871, plus strand): 5'-TGTGGCACCCCGCCGCCTGCTGCTGACGGGCACACCGCTGCAGAACAAGCTTCCCGAGCT[C>T]TGGGCGCTGCTCAACTTCCTGCTGCCCACCATCTTCAAGAGCTGCAGCACCTTCGAGCAG-3'
Protein context (NP_003063.2, residues 911-931): GTPLQNKLPE[Leu921=]WALLNFLLPT